The following is an entry in ClinVar:

NM_000512.5(GALNS):c.513CAA[1] (p.Asn172del)

Gene: GALNS (galactosamine (N-acetyl)-6-sulfatase; minus strand). Cytogenetic location: 16q24.3.
Variant type: Microsatellite.
Coding change: c.513CAA[1] on transcript NM_000512.5 (MANE Select); one copy of the 3-base unit CAA starting at c.513; the reference has two copies in a row; one copy, 3 bases deleted.
Protein change: p.Asn172del; deletes asparagine 172.
Molecular consequence: inframe deletion. On other transcripts: 5 prime UTR variant (1).
Genome position (GRCh38, 1-based): chr16:88,837,670-88,837,672, TTG deleted on the plus strand (CAA on the coding strand, the reverse complement: GALNS is on the minus strand); deleting any 3 consecutive bases within chr16:88,837,670-88,837,676 gives the same sequence; the position shown is the placement nearest the transcript's 3' end. VCF-style (leftmost placement, unchanged base first): chr16-88837669-CTTG-C. GRCh37 (hg19) VCF-style: chr16-88904077-CTTG-C.
Other names: c.-43CAA[1] (NM_001323543.2); c.531CAA[1], p.Asn178del (NM_001323544.2); short protein forms N178del, N172del.
Identifiers: ClinVar variation 2160623 (VCV002160623.4), dbSNP rs2543549328, ClinGen allele CA645575366.

ClinVar aggregate classification (germline): Uncertain significance (1 of 4 stars; one submission).

Conditions:
Mucopolysaccharidosis, MPS-IV-A (MPS4A). Also called: Morquio syndrome A, mild; MORQUIO SYNDROME A; GALACTOSAMINE-6-SULFATASE DEFICIENCY; GALNS DEFICIENCY; MORQUIO A DISEASE; Mucopolysaccharidosis type IV A. Identifiers: Orphanet 309297, Orphanet 582, MedGen C0086651, MONDO:0009659, OMIM 253000.

Submission:

Labcorp Genetics (formerly Invitae), Labcorp
Classification: Uncertain significance for Mucopolysaccharidosis, MPS-IV-A. Last evaluated: 2021-12-08. Review status: criteria provided, single submitter. Criteria: Invitae Variant Classification Sherloc (09022015). Collection method: clinical testing. Allele origin: germline.
Comment: In summary, the available evidence is currently insufficient to determine the role of this variant in disease. Therefore, it has been classified as a Variant of Uncertain Significance. Experimental studies and prediction algorithms are not available or were not evaluated, and the functional significance of this variant is currently unknown. This variant has not been reported in the literature in individuals affected with GALNS-related conditions. This variant is not present in population databases (gnomAD no frequency). This variant, c.516_518del, results in the deletion of 1 amino acid(s) of the GALNS protein (p.Asn172del), but otherwise preserves the integrity of the reading frame.